The following is an entry in ClinVar:

ClinVar aggregate classification (germline): Benign. Review status: criteria provided, multiple submitters, no conflicts (2 of 4 stars). 6 submissions from 4 submitters: Benign (6). Last evaluated 2021-07-30.

Conditions:
Charcot-Marie-Tooth disease. Also called: Charcot-Marie-Tooth Neuropathy; Charcot-Marie-Tooth Hereditary Neuropathy. Identifiers: Orphanet 166, MedGen C0007959, MONDO:0015626.
Charcot-Marie-Tooth disease axonal type 2O. Also called: CHARCOT-MARIE-TOOTH NEUROPATHY, AXONAL, TYPE 2O; CHARCOT-MARIE-TOOTH DISEASE, AXONAL, AUTOSOMAL DOMINANT, TYPE 2O; Charcot-Marie-Tooth Neuropathy Type 2O; Charcot-Marie-Tooth disease, axonal, type 20. Identifiers: Orphanet 284232, MedGen C3280220, MONDO:0013644, OMIM 614228.
Autosomal dominant childhood-onset proximal spinal muscular atrophy without contractures. Also called: SPINAL MUSCULAR ATROPHY, JUVENILE, PROXIMAL, AUTOSOMAL DOMINANT; KUGELBERG-WELANDER SYNDROME, AUTOSOMAL DOMINANT; Spinal muscular atrophy, lower extremity-predominant 1, AD; SPINAL MUSCULAR ATROPHY, CHILDHOOD, PROXIMAL, AUTOSOMAL DOMINANT. Identifiers: Orphanet 209341, Orphanet 363447, MedGen C5780022, MONDO:0008026, OMIM 158600.
Cortical dysplasia, complex, with other brain malformations 13. Also called: Intellectual disability, autosomal dominant 13. Identifiers: MedGen C3281202, MONDO:0013805, OMIM 614563.

Allele frequency attached by ClinVar (database versions not stated): 1000 Genomes Project 0.26997; 1000 Genomes Project 30x 0.27046; gnomAD exomes 0.17089; gnomAD 0.20528 and 0.20452; TOPMed 0.21730; ExAC 0.17264; ESP Exome Variant Server 0.20114.
gnomAD v4.1: 223,169 of 1,613,096 alleles (14%); highest among the groups gnomAD compares: African/African-American, 39%; 19,750 homozygotes.

Submissions (6):

Genome-Nilou Lab
Classification: Benign for Charcot-Marie-Tooth disease axonal type 2O. Last evaluated: 2021-07-30. Review status: criteria provided, single submitter. Criteria: ACMG Guidelines, 2015. Collection method: clinical testing. Allele origin: germline. Affected: no.

Genome-Nilou Lab
Classification: Benign for Cortical dysplasia, complex, with other brain malformations 13. Last evaluated: 2021-07-30. Review status: criteria provided, single submitter. Criteria: ACMG Guidelines, 2015. Collection method: clinical testing. Allele origin: germline. Affected: no.

Genome-Nilou Lab
Classification: Benign for Autosomal dominant childhood-onset proximal spinal muscular atrophy without contractures. Last evaluated: 2021-07-30. Review status: criteria provided, single submitter. Criteria: ACMG Guidelines, 2015. Collection method: clinical testing. Allele origin: germline. Affected: no.

GeneDx
Classification: Benign. Last evaluated: 2018-06-18. Review status: criteria provided, single submitter. Criteria: GeneDx Variant Classification (06012015). Collection method: clinical testing. Allele origin: germline. Affected: yes.
Comment: This variant is considered likely benign or benign based on one or more of the following criteria: it is a conservative change, it occurs at a poorly conserved position in the protein, it is predicted to be benign by multiple in silico algorithms, and/or has population frequency not consistent with disease.

Breakthrough Genomics
Classification: Benign. Review status: criteria provided, single submitter. Criteria: ACMG Guidelines, 2015. Collection method: not provided. Allele origin: germline. Inheritance: Autosomal dominant inheritance. Affected: yes.

Molecular Genetics Laboratory, London Health Sciences Centre
Classification: Benign for Charcot-Marie-Tooth disease. Review status: criteria provided, single submitter. Criteria: ACMG Guidelines, 2015. Collection method: clinical testing. Allele origin: germline. Affected: yes.

NM_001376.5(DYNC1H1):c.8344-30G>A

Gene: DYNC1H1 (dynein cytoplasmic 1 heavy chain 1; plus strand). Cytogenetic location: 14q32.31.
Variant type: single nucleotide variant.
Coding change: c.8344-30G>A on transcript NM_001376.5 (MANE Select); 30 bases into the intron before coding-DNA position 8344, G replaced by A.
Molecular consequence: intron variant.
Genome position (GRCh38, 1-based): chr14:102,019,863, G>A. VCF-style: chr14-102019863-G-A. GRCh37 (hg19) VCF-style: chr14-102486200-G-A.
Identifiers: ClinVar variation 674077 (VCV000674077.6), dbSNP rs2180510, ClinGen allele CA7353010.